The following is an entry in ClinVar:

NM_000937.5(POLR2A):c.5158dup (p.Tyr1720fs)

Gene: POLR2A (RNA polymerase II subunit A; plus strand). Cytogenetic location: 17p13.1.
Variant type: Duplication.
Coding change: c.5158dup on transcript NM_000937.5 (MANE Select); coding-DNA position 5158, one base duplicated (T; older notation c.5158dupT).
Protein change: p.Tyr1720fs; shifts the reading frame from tyrosine 1720.
Molecular consequence: frameshift variant.
Genome position (GRCh38, 1-based): chr17:7,513,422, T duplicated. VCF-style (leftmost placement, unchanged base first): chr17-7513421-C-CT. GRCh37 (hg19) VCF-style: chr17-7416740-C-CT.
Other names: short protein forms Y1720fs.
Identifiers: ClinVar variation 4880637 (VCV004880637.2).

ClinVar aggregate classification (germline): Likely pathogenic (1 of 4 stars; one submission).

Conditions:
Neurodevelopmental disorder with hypotonia and variable intellectual and behavioral abnormalities. Identifiers: MedGen C5231423, MONDO:0032829, OMIM 618603.

Submission:

Dasa
Classification: Likely pathogenic for Neurodevelopmental disorder with hypotonia and variable intellectual and behavioral abnormalities. Last evaluated: 2025-10-09. Review status: criteria provided, single submitter. Criteria: DASA Assertion Criteria. Collection method: clinical testing. Allele origin: germline.
Comment: NM_000937.5(POLR2A):c.5158dup (p.Tyr1720Leufs*54) is a frameshift variant in POLR2A predicted to alter the reading frame and introduce a premature termination codon and is predicted to result in an absent or altered protein product. Loss of function is an established disease mechanism for POLR2A-associated disorders. Also, this variant is absent from population databases. Based on the currently available evidence, this variant is classified as likely pathogenic.